The following is an entry in ClinVar:

NM_006516.4(SLC2A1):c.907del (p.Val303fs)

Gene: SLC2A1 (solute carrier family 2 member 1; minus strand). Cytogenetic location: 1p34.2.
Variant type: Deletion.
Coding change: c.907del on transcript NM_006516.4 (MANE Select); coding-DNA position 907, one base deleted (G; older notation c.907delG).
Protein change: p.Val303fs; shifts the reading frame from valine 303.
Molecular consequence: frameshift variant.
Genome position (GRCh38, 1-based): chr1:42,929,275, C deleted on the plus strand (G on the coding strand, the reverse complement: SLC2A1 is on the minus strand); the first of 5 consecutive C bases (chr1:42,929,275-42,929,279); deleting any one gives the same sequence. VCF-style (leftmost placement, unchanged base first): chr1-42929274-AC-A. GRCh37 (hg19) VCF-style: chr1-43394945-AC-A.
Other names: short protein forms V303fs.
Identifiers: ClinVar variation 420021 (VCV000420021.2), dbSNP rs80359837, ClinGen allele CA16617144.

ClinVar aggregate classification (germline): Pathogenic (1 of 4 stars; one submission).

Submission:

GeneDx
Classification: Pathogenic. Last evaluated: 2017-03-27. Review status: criteria provided, single submitter. Criteria: GeneDx Variant Classification (06012015). Collection method: clinical testing. Allele origin: germline. Affected: yes.
Comment: The c.907delG pathogenic variant in the SLC2A1 gene has been reported previously in an individual with Glut1-DS (Wang et al., 2000). Due to use of alternative nomenclature, this variant has been reported as c.1086delG (Wang et al., 2000). The deletion causes a frameshift starting with codon Valine 303, changes this amino acid to a Cysteine residue and creates a premature Stop codon at position 37 of the new reading frame, denoted p.Val303CysfsX37. This pathogenic variant is predicted to cause loss of normal protein function either through protein truncation or nonsense-mediated mRNA decay. The c.907delG variant is not observed in large population cohorts (Lek et al., 2016; 1000 Genomes Consortium et al., 2015; Exome Variant Server).